The following is an entry in ClinVar:

ClinVar aggregate classification (germline): Likely pathogenic (1 of 4 stars; one submission).

Conditions:
Dilated cardiomyopathy 1G (CMD1G). Identifiers: Orphanet 154, MedGen C1858763, MONDO:0011400, OMIM 604145.
Autosomal recessive limb-girdle muscular dystrophy type 2J (LGMDR10). Also called: Limb-girdle muscular dystrophy, type 2J; MUSCULAR DYSTROPHY, LIMB-GIRDLE, AUTOSOMAL RECESSIVE 10. Identifiers: Orphanet 140922, MedGen C1837342, MONDO:0012127, OMIM 608807.

Submission:

Labcorp Genetics (formerly Invitae), Labcorp
Classification: Likely pathogenic for Dilated cardiomyopathy 1G; Autosomal recessive limb-girdle muscular dystrophy type 2J. Last evaluated: 2024-10-18. Review status: criteria provided, single submitter. Criteria: Invitae Variant Classification Sherloc (09022015). Collection method: clinical testing. Allele origin: germline.
Comment: This sequence change affects an acceptor splice site in intron 161 of the TTN gene. It is expected to disrupt RNA splicing and likely results in a truncated or disrupted TTN protein. This variant is not present in population databases (gnomAD no frequency). This variant has not been reported in the literature in individuals affected with TTN-related conditions. ClinVar contains an entry for this variant (Variation ID: 1426830). Algorithms developed to predict the effect of sequence changes on RNA splicing suggest that this variant may disrupt the consensus splice site. This variant is located in the I band of TTN (PMID: 25589632). Truncating variants in this region have been reported in individuals affected with autosomal recessive centronuclear myopathy (PMID: 23975875, internal data). Truncating variants in this region have also been identified in individuals affected with autosomal dominant dilated cardiomyopathy and/or cardio-related conditions (PMID: 27869827, 32964742, internal data). In summary, the currently available evidence indicates that the variant is pathogenic, but additional data are needed to prove that conclusively. Therefore, this variant has been classified as Likely Pathogenic.

Literature cited by the submitters: PubMed 25589632; PubMed 23975875; PubMed 27869827; PubMed 32964742.

NM_001267550.2(TTN):c.35714-1G>C

Gene: TTN (titin; minus strand). Cytogenetic location: 2q31.2.
Variant type: single nucleotide variant.
Coding change: c.35714-1G>C on transcript NM_001267550.2 (MANE Select); the canonical splice acceptor site of the intron before coding-DNA position 35714, G replaced by C.
Molecular consequence: splice acceptor variant. On other transcripts: intron variant (5).
Genome position (GRCh38, 1-based): chr2:178,667,320, C>G on the plus strand (G>C on the coding strand, the complement: TTN is on the minus strand). VCF-style: chr2-178667320-C-G. GRCh37 (hg19) VCF-style: chr2-179532047-C-G.
Other names: c.13283-25003G>C (NM_003319.4); c.13859-25003G>C (NM_133437.4); c.13658-25003G>C (NM_133432.3); c.31483+2898G>C (NM_133378.4); c.34264+2898G>C (NM_001256850.1).
Identifiers: ClinVar variation 1426830 (VCV001426830.6), dbSNP rs2154261850, ClinGen allele CA349508776.